The following is an entry in ClinVar:

NM_000392.5(ABCC2):c.787A>T (p.Lys263Ter)

Gene: ABCC2 (ATP binding cassette subfamily C member 2; plus strand). Cytogenetic location: 10q24.2.
Variant type: single nucleotide variant.
Coding change: c.787A>T on transcript NM_000392.5 (MANE Select); coding-DNA position 787, A replaced by T.
Protein change: p.Lys263Ter; replaces lysine 263 with a stop codon.
Molecular consequence: nonsense.
Genome position (GRCh38, 1-based): chr10:99,797,251, A>T. VCF-style: chr10-99797251-A-T. GRCh37 (hg19) VCF-style: chr10-101557008-A-T.
Other names: short protein forms K263*.
Identifiers: ClinVar variation 2841719 (VCV002841719.3), dbSNP rs2492859908, ClinGen allele CA378104725.

ClinVar aggregate classification (germline): Pathogenic (1 of 4 stars; one submission).

Submission:

Labcorp Genetics (formerly Invitae), Labcorp
Classification: Pathogenic. Last evaluated: 2023-03-01. Review status: criteria provided, single submitter. Criteria: Invitae Variant Classification Sherloc (09022015). Collection method: clinical testing. Allele origin: germline.
Comment: For these reasons, this variant has been classified as Pathogenic. This sequence change creates a premature translational stop signal (p.Lys263*) in the ABCC2 gene. It is expected to result in an absent or disrupted protein product. Loss-of-function variants in ABCC2 are known to be pathogenic (PMID: 9185779, 16549534, 16952291). This variant is not present in population databases (gnomAD no frequency). This variant has not been reported in the literature in individuals affected with ABCC2-related conditions.

Literature cited by the submitters: PubMed 9185779; PubMed 16549534; PubMed 16952291.